The following is an entry in ClinVar:

ClinVar aggregate classification (germline): Pathogenic (1 of 4 stars; one submission).

Conditions:
Duchenne muscular dystrophy (DMD). Also called: MUSCULAR DYSTROPHY, PSEUDOHYPERTROPHIC PROGRESSIVE, DUCHENNE TYPE; Duchenne Muscular Dystrophy (DMD). Identifiers: Orphanet 98896, MedGen C0013264, MONDO:0010679, OMIM 310200.

Submission:

Labcorp Genetics (formerly Invitae), Labcorp
Classification: Pathogenic for Duchenne muscular dystrophy. Last evaluated: 2021-08-31. Review status: criteria provided, single submitter. Criteria: Invitae Variant Classification Sherloc (09022015). Collection method: clinical testing. Allele origin: germline.
Comment: This variant is a gross deletion of the genomic region encompassing exon(s) 60 of the DMD gene. This variant would be expected to be in-frame, preserving the integrity of the reading frame. A similar copy number variant has been observed in individuals with DMD-related conditions (PMID: 15723292, 16834926, 24236769). For these reasons, this variant has been classified as Pathogenic.

Literature cited by the submitters: PubMed 15723292; PubMed 16834926; PubMed 24236769.

NC_000023.10:g.(?_31462588)_(31462754_?)del

Gene: DMD (dystrophin; minus strand). Cytogenetic location: Xp21.2.
Variant type: Deletion.
Identifiers: ClinVar variation 1075224 (VCV001075224.7).